The following is an entry in ClinVar:

ClinVar aggregate classification (germline): Uncertain significance. Review status: criteria provided, multiple submitters, no conflicts (2 of 4 stars). 2 submissions from 2 submitters: Uncertain significance (2). Last evaluated 2019-06-04.

Conditions:
Succinate-semialdehyde dehydrogenase deficiency (SSADHD). Also called: 4-HYDROXYBUTYRIC ACIDURIA; GABA METABOLIC DEFECT; Succinic Semialdehyde Dehydrogenase Deficiency; SSADH DEFICIENCY. Identifiers: Orphanet 22, MedGen C0268631, MONDO:0010083, OMIM 271980.

Allele frequency attached by ClinVar (database versions not stated): gnomAD exomes below 0.00001.
gnomAD v4.1: 4 of 1,614,144 alleles (0.00025%); highest among the groups gnomAD compares: Non-Finnish European, 0.00034%; no homozygotes.

Submissions (2):

Labcorp Genetics (formerly Invitae), Labcorp
Classification: Uncertain significance for Succinate-semialdehyde dehydrogenase deficiency. Last evaluated: 2019-06-04. Review status: criteria provided, single submitter. Criteria: Invitae Variant Classification Sherloc (09022015). Collection method: clinical testing. Allele origin: germline.
Comment: Algorithms developed to predict the effect of missense changes on protein structure and function (SIFT, PolyPhen-2, Align-GVGD) all suggest that this variant is likely to be disruptive, but these predictions have not been confirmed by published functional studies and their clinical significance is uncertain. This variant has not been reported in the literature in individuals with ALDH5A1-related conditions. This variant is not present in population databases (ExAC no frequency). This sequence change replaces glycine with aspartic acid at codon 505 of the ALDH5A1 protein (p.Gly505Asp). The glycine residue is highly conserved and there is a moderate physicochemical difference between glycine and aspartic acid. In summary, the available evidence is currently insufficient to determine the role of this variant in disease. Therefore, it has been classified as a Variant of Uncertain Significance.

GeneDx
Classification: Uncertain significance. Last evaluated: 2019-05-31. Review status: criteria provided, single submitter. Criteria: GeneDx Variant Classification Process June 2021. Collection method: clinical testing. Allele origin: germline. Affected: yes.
Comment: Not observed at a significant frequency in large population cohorts (Lek et al., 2016); In silico analysis, which includes protein predictors and evolutionary conservation, supports a deleterious effect; Has not been previously published as pathogenic or benign to our knowledge

NM_001080.3(ALDH5A1):c.1514G>A (p.Gly505Asp)

Gene: ALDH5A1 (aldehyde dehydrogenase 5 family member A1; plus strand). Cytogenetic location: 6p22.3.
Variant type: single nucleotide variant.
Coding change: c.1514G>A on transcript NM_001080.3 (MANE Select); coding-DNA position 1514, G replaced by A.
Protein change: p.Gly505Asp; replaces glycine 505 with aspartic acid.
Molecular consequence: missense variant.
Genome position (GRCh38, 1-based): chr6:24,533,618, G>A. VCF-style: chr6-24533618-G-A. GRCh37 (hg19) VCF-style: chr6-24533846-G-A.
Other names: c.1370G>A, p.Gly457Asp (NM_001368954.1); c.1553G>A, p.Gly518Asp (NM_170740.1); short protein forms G457D, G518D, G505D.
Identifiers: ClinVar variation 943698 (VCV000943698.11), dbSNP rs1449304427, ClinGen allele CA362967615.
Genomic context (GRCh38, chr6:24,533,618, plus strand): 5'-TGGAAGTGGGCATGGTTGGCGTCAACGAAGGATTAATTTCCTCTGTGGAGTGCCCTTTTG[G>A]TGGAGTGAAGCAGTCCGGCCTTGGGCGAGAGGGGTCCAAGTATGGCATTGATGAGTATCT-3'
Protein context (NP_001071.1, residues 495-515): GLISSVECPF[Gly505Asp]GVKQSGLGRE